The following is an entry in ClinVar:

NM_152328.5(ADSS1):c.678G>C (p.Glu226Asp)

Gene: ADSS1 (adenylosuccinate synthase 1; plus strand). Cytogenetic location: 14q32.33.
Variant type: single nucleotide variant.
Coding change: c.678G>C on transcript NM_152328.5 (MANE Select); coding-DNA position 678, G replaced by C.
Protein change: p.Glu226Asp; replaces glutamic acid 226 with aspartic acid.
Molecular consequence: missense variant.
Genome position (GRCh38, 1-based): chr14:104,741,128, G>C. VCF-style: chr14-104741128-G-C. GRCh37 (hg19) VCF-style: chr14-105207465-G-C.
Other names: c.63G>C, p.Glu21Asp (NM_001320424.1); c.807G>C, p.Glu269Asp (NM_199165.2); short protein forms E226D, E269D, E21D.
Identifiers: ClinVar variation 1939073 (VCV001939073.5), dbSNP rs147772910, ClinGen allele CA391240359.

ClinVar aggregate classification (germline): Uncertain significance (1 of 4 stars; one submission).

Submission:

Labcorp Genetics (formerly Invitae), Labcorp
Classification: Uncertain significance. Last evaluated: 2021-12-23. Review status: criteria provided, single submitter. Criteria: Invitae Variant Classification Sherloc (09022015). Collection method: clinical testing. Allele origin: germline.
Comment: This variant is not present in population databases (gnomAD no frequency). This sequence change replaces glutamic acid, which is acidic and polar, with aspartic acid, which is acidic and polar, at codon 269 of the ADSSL1 protein (p.Glu269Asp). This variant has not been reported in the literature in individuals affected with ADSSL1-related conditions. Algorithms developed to predict the effect of missense changes on protein structure and function are either unavailable or do not agree on the potential impact of this missense change (SIFT: "Not Available"; PolyPhen-2: "Probably Damaging"; Align-GVGD: "Not Available"). In summary, the available evidence is currently insufficient to determine the role of this variant in disease. Therefore, it has been classified as a Variant of Uncertain Significance.